The following is an entry in ClinVar:

NM_000553.6(WRN):c.3968C>G (p.Pro1323Arg)

Gene: WRN (WRN RecQ like helicase; plus strand). Cytogenetic location: 8p12.
Variant type: single nucleotide variant.
Coding change: c.3968C>G on transcript NM_000553.6 (MANE Select); coding-DNA position 3968, C replaced by G.
Protein change: p.Pro1323Arg; replaces proline 1323 with arginine.
Molecular consequence: missense variant.
Genome position (GRCh38, 1-based): chr8:31,157,516, C>G. VCF-style: chr8-31157516-C-G. GRCh37 (hg19) VCF-style: chr8-31015032-C-G.
Other names: short protein forms P1323R.
Identifiers: ClinVar variation 3008320 (VCV003008320.3), dbSNP rs1803434996, ClinGen allele CA370929705.
Genomic context (GRCh38, chr8:31,157,516, plus strand): 5'-TGGAGCGAGCAGGCCTGACTCCAGAGGTTCAGAAGATTATTGCTGATGTTATCCGAAACC[C>G]TCCCGTCAACTCAGGTGAGAGGCATGGCCTAGCTCTGCACCCTTAATGACTTGATGAAGT-3'
Protein context (NP_000544.2, residues 1313-1333): QKIIADVIRN[Pro1323Arg]PVNSDMSKIS

ClinVar aggregate classification (germline): Uncertain significance (1 of 4 stars; one submission).

Conditions:
Werner syndrome (WRN). Identifiers: Orphanet 902, MedGen C0043119, MONDO:0010196, OMIM 277700.

Allele frequency attached by ClinVar (database versions not stated): gnomAD 0.00001.
gnomAD v4.1: 1 of 1,614,008 alleles (0.000062%); highest among the groups gnomAD compares: African/African-American, 0.0013%; no homozygotes.

Submission:

Labcorp Genetics (formerly Invitae), Labcorp
Classification: Uncertain significance for Werner syndrome. Last evaluated: 2023-02-28. Review status: criteria provided, single submitter. Criteria: Invitae Variant Classification Sherloc (09022015). Collection method: clinical testing. Allele origin: germline.
Comment: This variant is not present in population databases (gnomAD no frequency). This variant has not been reported in the literature in individuals affected with WRN-related conditions. An algorithm developed to predict the effect of missense changes on protein structure and function (PolyPhen-2) suggests that this variant is likely to be disruptive. In summary, the available evidence is currently insufficient to determine the role of this variant in disease. Therefore, it has been classified as a Variant of Uncertain Significance. This sequence change replaces proline, which is neutral and non-polar, with arginine, which is basic and polar, at codon 1323 of the WRN protein (p.Pro1323Arg).